The following is an entry in ClinVar:

NM_001377.3(DYNC2H1):c.9425C>T (p.Ser3142Leu)

Gene: DYNC2H1 (dynein cytoplasmic 2 heavy chain 1; plus strand). Cytogenetic location: 11q22.3.
Variant type: single nucleotide variant.
Coding change: c.9425C>T on transcript NM_001377.3 (MANE Select); coding-DNA position 9425, C replaced by T.
Protein change: p.Ser3142Leu; replaces serine 3142 with leucine.
Molecular consequence: missense variant.
Genome position (GRCh38, 1-based): chr11:103,231,331, C>T. VCF-style: chr11-103231331-C-T. GRCh37 (hg19) VCF-style: chr11-103102060-C-T.
Other names: c.9425C>T, p.Ser3142Leu (NM_001080463.2); short protein forms S3142L.
Identifiers: ClinVar variation 2920812 (VCV002920812.1), dbSNP rs1864000576, ClinGen allele CA382239825.

ClinVar aggregate classification (germline): Uncertain significance (1 of 4 stars; one submission).

Conditions:
Asphyxiating thoracic dystrophy 3. Also called: SHORT-RIB THORACIC DYSPLASIA 3 WITH OR WITHOUT POLYDACTYLY; POLYDACTYLY WITH NEONATAL CHONDRODYSTROPHY, TYPE I; SHORT-RIB THORACIC DYSPLASIA 3/6 WITH POLYDACTYLY, DIGENIC; Short rib polydactyly syndrome 2B; Saldino-Noonan Syndrome. Identifiers: Orphanet 474, Orphanet 93269, Orphanet 93270, Orphanet 93271, MedGen C0036069, MONDO:0013127, OMIM 613091.

Submission:

ARUP Laboratories, Molecular Genetics and Genomics, ARUP Laboratories
Classification: Uncertain significance for Asphyxiating thoracic dystrophy 3. Last evaluated: 2023-06-15. Review status: criteria provided, single submitter. Criteria: ARUP Molecular Germline Variant Investigation Process 2024. Collection method: clinical testing. Allele origin: germline.
Comment: The DYNC2H1 c.9425C>T; p.Ser3142Leu variant, to our knowledge, is not reported in the medical literature or gene-specific databases. This variant is also absent from from the Genome Aggregation Database, indicating it is not a common polymorphism. Computational analyses are uncertain whether this variant is neutral or deleterious (REVEL: 0.262). Given the lack of clinical and functional data, the significance of the p.Ser3142Leu variant is uncertain at this time.